The following is an entry in ClinVar:

NM_001040716.2(PC):c.3170del (p.Thr1057fs)

Gene: PC (pyruvate carboxylase; minus strand). Cytogenetic location: 11q13.2.
Variant type: Deletion.
Coding change: c.3170del on transcript NM_001040716.2 (MANE Select); coding-DNA position 3170, one base deleted (C; older notation c.3170delC).
Protein change: p.Thr1057fs; shifts the reading frame from threonine 1057.
Molecular consequence: frameshift variant.
Genome position (GRCh38, 1-based): chr11:66,849,348, G deleted on the plus strand (C on the coding strand, the reverse complement: PC is on the minus strand). VCF-style (leftmost placement, unchanged base first): chr11-66849347-CG-C. GRCh37 (hg19) VCF-style: chr11-66616818-CG-C.
Other names: c.3170del, p.Thr1057fs (NM_000920.4, NM_022172.3); short protein forms T1057fs.
Identifiers: ClinVar variation 2736458 (VCV002736458.3), dbSNP rs2495391310, ClinGen allele CA2697548748.

ClinVar aggregate classification (germline): Pathogenic (1 of 4 stars; one submission).

Conditions:
Pyruvate carboxylase deficiency. Also called: ATAXIA WITH LACTIC ACIDOSIS II; LEIGH NECROTIZING ENCEPHALOPATHY DUE TO PYRUVATE CARBOXYLASE DEFICIENCY; LEIGH SYNDROME DUE TO PYRUVATE CARBOXYLASE DEFICIENCY; PC DEFICIENCY; Pyruvate Carboxylase Deficiency Disease. Identifiers: Orphanet 3008, MedGen C0034341, MONDO:0009949, OMIM 266150.

Submission:

Labcorp Genetics (formerly Invitae), Labcorp
Classification: Pathogenic for Pyruvate carboxylase deficiency. Last evaluated: 2023-07-07. Review status: criteria provided, single submitter. Criteria: Invitae Variant Classification Sherloc (09022015). Collection method: clinical testing. Allele origin: germline.
Comment: For these reasons, this variant has been classified as Pathogenic. This variant has not been reported in the literature in individuals affected with PC-related conditions. This variant is not present in population databases (gnomAD no frequency). This sequence change creates a premature translational stop signal (p.Thr1057Serfs*9) in the PC gene. It is expected to result in an absent or disrupted protein product. Loss-of-function variants in PC are known to be pathogenic (PMID: 12112657, 19306334).

Literature cited by the submitters: PubMed 12112657; PubMed 19306334.